The following is an entry in ClinVar:

ClinVar aggregate classification (germline): Uncertain significance. Review status: criteria provided, multiple submitters, no conflicts (2 of 4 stars). 2 submissions from 2 submitters: Uncertain significance (2). Last evaluated 2025-12-15.

Conditions:
Inborn genetic diseases. Identifiers: MedGen C0950123, MeSH D030342.
Muscular dystrophy-dystroglycanopathy type B6 (MDDGB6). Also called: MUSCULAR DYSTROPHY-DYSTROGLYCANOPATHY (CONGENITAL WITH IMPAIRED INTELLECTUAL DEVELOPMENT), TYPE B, 6; MUSCULAR DYSTROPHY, CONGENITAL, LARGE-RELATED; MUSCULAR DYSTROPHY, CONGENITAL, TYPE 1D. Identifiers: MedGen C1837229, MONDO:0012138, OMIM 608840.

Allele frequency attached by ClinVar (database versions not stated): gnomAD exomes 0.00001 and 0.00002; TOPMed 0.00001; ExAC 0.00002; gnomAD 0.00002 and 0.00003; ESP Exome Variant Server 0.00008; 1000 Genomes Project 30x 0.00016; 1000 Genomes Project 0.00020.
gnomAD v4.1: 14 of 1,614,084 alleles (0.00087%); highest among the groups gnomAD compares: Admixed American, 0.012%; no homozygotes.

Submissions (2):

Ambry Genetics
Classification: Uncertain significance for Inborn genetic diseases. Last evaluated: 2025-12-15. Review status: criteria provided, single submitter. Criteria: Ambry Variant Classification Scheme 2023. Collection method: clinical testing. Allele origin: germline.

Labcorp Genetics (formerly Invitae), Labcorp
Classification: Uncertain significance for Muscular dystrophy-dystroglycanopathy type B6. Last evaluated: 2023-11-13. Review status: criteria provided, single submitter. Criteria: Invitae Variant Classification Sherloc (09022015). Collection method: clinical testing. Allele origin: germline.
Comment: This sequence change replaces arginine, which is basic and polar, with glutamine, which is neutral and polar, at codon 414 of the LARGE1 protein (p.Arg414Gln). This variant is present in population databases (rs200603479, gnomAD 0.006%). This variant has not been reported in the literature in individuals affected with LARGE1-related conditions. ClinVar contains an entry for this variant (Variation ID: 1478114). Advanced modeling of protein sequence and biophysical properties (such as structural, functional, and spatial information, amino acid conservation, physicochemical variation, residue mobility, and thermodynamic stability) performed at Invitae indicates that this missense variant is not expected to disrupt LARGE1 protein function with a negative predictive value of 80%. In summary, the available evidence is currently insufficient to determine the role of this variant in disease. Therefore, it has been classified as a Variant of Uncertain Significance.

NM_133642.5(LARGE1):c.1241G>A (p.Arg414Gln)

Gene: LARGE1 (LARGE xylosyl- and glucuronyltransferase 1; minus strand). Cytogenetic location: 22q12.3.
Variant type: single nucleotide variant.
Coding change: c.1241G>A on transcript NM_133642.5 (MANE Select); coding-DNA position 1241, G replaced by A.
Protein change: p.Arg414Gln; replaces arginine 414 with glutamine.
Molecular consequence: missense variant. On other transcripts: intron variant (2).
Genome position (GRCh38, 1-based): chr22:33,337,692, C>T on the plus strand (G>A on the coding strand, the complement: LARGE1 is on the minus strand). VCF-style: chr22-33337692-C-T. GRCh37 (hg19) VCF-style: chr22-33733678-C-T.
Other names: c.1241G>A, p.Arg414Gln (NM_001362949.2, NM_001362951.2, NM_001362953.2 and 6 more transcripts); c.638G>A, p.Arg213Gln (NM_001378630.1); c.1132-21444G>A (NM_001378629.1); c.529-21444G>A (NM_001378631.1); c.1241G>A (NM_004737.4); short protein forms R414Q, R213Q.
Identifiers: ClinVar variation 1478114 (VCV001478114.6), dbSNP rs200603479, ClinGen allele CA10202818.
Genomic context (GRCh38, chr22:33,337,692, plus strand): 5'-TGCGAGCCACTTACGTTTTCACTGTTGACATCAGCCTCACTGGGGCAGCCAAACAGTTCC[C>T]GCCTCAGAAGATTGCCGTCATACTCCAGGAAGGTCAGGTAGAGGTTGCGAAAAAACTCCA-3'
Protein context (NP_598397.1, residues 404-424): FLEYDGNLLR[Arg414Gln]ELFGCPSEAD